The following is an entry in ClinVar:

NM_001368882.1(COL13A1):c.1683G>A (p.Pro561=)

Gene: COL13A1 (collagen type XIII alpha 1 chain; plus strand). Cytogenetic location: 10q22.1.
Variant type: single nucleotide variant.
Coding change: c.1683G>A on transcript NM_001368882.1 (MANE Select); coding-DNA position 1683, G replaced by A.
Protein change: p.Pro561=; no amino-acid change (proline 561 retained).
Molecular consequence: synonymous variant.
Genome position (GRCh38, 1-based): chr10:69,930,552, G>A. VCF-style: chr10-69930552-G-A. GRCh37 (hg19) VCF-style: chr10-71690308-G-A.
Other names: c.1650G>A, p.Pro550= (NM_001130103.2); c.1620G>A, p.Pro540= (NM_001320951.2, NM_001368884.1); c.1647G>A, p.Pro549= (NM_001368883.1); c.1584G>A, p.Pro528= (NM_001368885.1, NM_080801.4, NM_080802.4); c.1020G>A, p.Pro340= (NM_001368886.1); c.1593G>A, p.Pro531= (NM_001368895.1, NM_080800.4); c.1479G>A, p.Pro493= (NM_001368896.1, NM_001368898.1, NM_080798.4); c.1506G>A, p.Pro502= (NM_001368897.1); and 1 more.
Identifiers: ClinVar variation 2176462 (VCV002176462.1), dbSNP rs562547881, ClinGen allele CA5534859.

ClinVar aggregate classification (germline): Uncertain significance (1 of 4 stars; one submission).

Allele frequency attached by ClinVar (database versions not stated): ExAC 0.00003; gnomAD exomes 0.00004; TOPMed 0.00004; gnomAD 0.00005; 1000 Genomes Project 30x 0.00016; 1000 Genomes Project 0.00020.
gnomAD v4.1: 75 of 1,612,326 alleles (0.0047%); highest among the groups gnomAD compares: Middle Eastern, 0.1%; no homozygotes.

Submission:

Labcorp Genetics (formerly Invitae), Labcorp
Classification: Uncertain significance. Last evaluated: 2022-08-09. Review status: criteria provided, single submitter. Criteria: Invitae Variant Classification Sherloc (09022015). Collection method: clinical testing. Allele origin: germline.
Comment: This sequence change affects codon 550 of the COL13A1 mRNA. It is a 'silent' change, meaning that it does not change the encoded amino acid sequence of the COL13A1 protein. This variant also falls at the last nucleotide of exon 29, which is part of the consensus splice site for this exon. This variant is present in population databases (rs562547881, gnomAD 0.009%). This variant has not been reported in the literature in individuals affected with COL13A1-related conditions. Variants that disrupt the consensus splice site are a relatively common cause of aberrant splicing (PMID: 17576681, 9536098). Algorithms developed to predict the effect of sequence changes on RNA splicing suggest that this variant may disrupt the consensus splice site. In summary, the available evidence is currently insufficient to determine the role of this variant in disease. Therefore, it has been classified as a Variant of Uncertain Significance.

Literature cited by the submitters: PubMed 17576681; PubMed 9536098.